The following is an entry in ClinVar:

NM_019066.5(MAGEL2):c.1168C>T (p.Gln390Ter)

Gene: MAGEL2 (MAGE family member L2; minus strand). Cytogenetic location: 15q11.2.
Variant type: single nucleotide variant.
Coding change: c.1168C>T on transcript NM_019066.5 (MANE Select); coding-DNA position 1168, C replaced by T.
Protein change: p.Gln390Ter; replaces glutamine 390 with a stop codon.
Molecular consequence: nonsense.
Genome position (GRCh38, 1-based): chr15:23,646,575, G>A on the plus strand (C>T on the coding strand, the complement: MAGEL2 is on the minus strand). VCF-style: chr15-23646575-G-A. GRCh37 (hg19) VCF-style: chr15-23891722-G-A.
Other names: short protein forms Q390*.
Identifiers: ClinVar variation 3340934 (VCV003340934.2).

ClinVar aggregate classification (germline): Likely pathogenic (1 of 4 stars; one submission).

Submission:

GeneDx
Classification: Likely pathogenic. Last evaluated: 2025-07-23. Review status: criteria provided, single submitter. Criteria: GeneDx Variant Classification Process June 2021. Collection method: clinical testing. Allele origin: germline.
Comment: Nonsense variant in the C-terminus predicted to result in protein truncation, as the last 860 amino acids are lost, and other loss-of-function variants have been reported downstream in the Human Gene Mutation Database (HGMD); Not observed at significant frequency in large population cohorts (gnomAD); Has not been previously published as pathogenic or benign to our knowledge